The following is an entry in ClinVar:

NM_005797.4(MPZL2):c.159C>T (p.Ala53=)

Gene: MPZL2 (myelin protein zero like 2; minus strand). Cytogenetic location: 11q23.3.
Variant type: single nucleotide variant.
Coding change: c.159C>T on transcript NM_005797.4 (MANE Select); coding-DNA position 159, C replaced by T.
Protein change: p.Ala53=; no amino-acid change (alanine 53 retained).
Molecular consequence: synonymous variant.
Genome position (GRCh38, 1-based): chr11:118,262,997, G>A on the plus strand (C>T on the coding strand, the complement: MPZL2 is on the minus strand). VCF-style: chr11-118262997-G-A. GRCh37 (hg19) VCF-style: chr11-118133712-G-A.
Other names: c.159C>T, p.Ala53= (NM_144765.3).
Identifiers: ClinVar variation 4872917 (VCV004872917.2).
Genomic context (GRCh38, chr11:118,262,997, plus strand): 5'-CTCAGGTCCCCCGTCTAGAGGACGAAAATTCCAGGTCACTGTTAGAGCATCACCCACAGG[G>A]GCAAAGCTGGAGAAAGTGCATTTTAACCGAGCATCTGTCCCATTAACAGCCTCCAGCACC-3'
Protein context (NP_005788.1, residues 43-63): ARLKCTFSSF[Ala53=]PVGDALTVTW

ClinVar aggregate classification (germline): Likely benign (1 of 4 stars; one submission).

gnomAD v4.1: 84 of 1,614,036 alleles (0.0052%); highest among the groups gnomAD compares: Non-Finnish European, 0.0054%; no homozygotes.

Submission:

CeGaT Center for Human Genetics Tuebingen
Classification: Likely benign. Last evaluated: 2026-05-01. Review status: criteria provided, single submitter. Criteria: CeGaT Center For Human Genetics Tuebingen Variant Classification Criteria Version 2. Collection method: clinical testing. Allele origin: germline. Affected: yes. Observed: 1 variant allele.
Comment: MPZL2: BP4, BP7